The following is an entry in ClinVar:

ClinVar aggregate classification (germline): Pathogenic. Review status: criteria provided, multiple submitters, no conflicts (2 of 4 stars). 2 submissions from 2 submitters: Pathogenic (2). Last evaluated 2025-02-19.

Conditions:
Primary ciliary dyskinesia 7. Also called: CILIARY DYSKINESIA, PRIMARY, 7, WITH OR WITHOUT SITUS INVERSUS. Identifiers: Orphanet 244, MedGen C2678473, MONDO:0012748, OMIM 611884.
Primary ciliary dyskinesia. Also called: Ciliary dyskinesia. Identifiers: Orphanet 244, MedGen C0008780, MONDO:0016575, HP:0012265.

Submissions (2):

Broad Center for Mendelian Genomics, Broad Institute of MIT and Harvard
Classification: Pathogenic for Primary ciliary dyskinesia 7. Last evaluated: 2025-02-19. Review status: criteria provided, single submitter. Criteria: ACMG Guidelines, 2015. Collection method: curation. Allele origin: germline. Inheritance: Autosomal recessive inheritance.
Comment: The p.Leu3194GlnfsTer10 variant in DNAH11 has been reported, in the compound heterozygous state, in 1 individual with primary ciliary dyskinesia (PMID: 31879361), and has been identified in 0.003% (38/1177914) of European (non-Finnish) chromosomes by the Genome Aggregation Database (gnomAD; dbSNP rs982666287). Although this variant has been seen in the general population in a heterozygous state, its frequency is low enough to be consistent with a recessive carrier frequency. This variant is predicted to cause a frameshift, which alters the protein's amino acid sequence beginning at position 3194 and leads to a premature termination codon 10 amino acids downstream. This alteration is then predicted to lead to a truncated or absent protein. Loss of function of the DNAH11 gene is an established disease mechanism in autosomal recessive primary ciliary dyskinesia. In summary, this variant meets criteria to be classified as pathogenic for autosomal recessive primary ciliary dyskinesia. ACMG/AMP Criteria applied: PVS1, PM2_supporting, PM3_supporting (Richards 2015).

Labcorp Genetics (formerly Invitae), Labcorp
Classification: Pathogenic for Primary ciliary dyskinesia. Last evaluated: 2025-02-15. Review status: criteria provided, single submitter. Criteria: Invitae Variant Classification Sherloc (09022015). Collection method: clinical testing. Allele origin: germline.
Comment: This sequence change creates a premature translational stop signal (p.Leu3194Glnfs*10) in the DNAH11 gene. It is expected to result in an absent or disrupted protein product. Loss-of-function variants in DNAH11 are known to be pathogenic (PMID: 18022865, 20513915, 22184204). This variant is present in population databases (rs756621896, gnomAD 0.0009%). This premature translational stop signal has been observed in individual(s) with clinical features of primary ciliary dyskinesia (PMID: 31879361). ClinVar contains an entry for this variant (Variation ID: 2724647). For these reasons, this variant has been classified as Pathogenic.

Literature cited by the submitters: PubMed 18022865 (cited by Labcorp Genetics (formerly Invitae), Labcorp); PubMed 20513915 (cited by Labcorp Genetics (formerly Invitae), Labcorp); PubMed 22184204 (cited by Labcorp Genetics (formerly Invitae), Labcorp); PubMed 31879361 (cited by Labcorp Genetics (formerly Invitae), Labcorp).

NM_001277115.2(DNAH11):c.9581_9582del (p.Leu3194fs)

Gene: DNAH11 (dynein axonemal heavy chain 11; plus strand). Cytogenetic location: 7p15.3.
Variant type: Deletion.
Coding change: c.9581_9582del on transcript NM_001277115.2 (MANE Select); coding-DNA positions 9581 to 9582, 2 bases deleted (TC; older notation c.9581_9582delTC).
Protein change: p.Leu3194fs; shifts the reading frame from leucine 3194.
Molecular consequence: frameshift variant.
Genome position (GRCh38, 1-based): chr7:21,784,524-21,784,525, TC deleted; deleting any 2 consecutive bases within chr7:21,784,523-21,784,525 gives the same sequence; the c. name uses the placement nearest the transcript's 3' end. VCF-style (leftmost placement, unchanged base first): chr7-21784522-ACT-A. GRCh37 (hg19) VCF-style: chr7-21824140-ACT-A.
Other names: NM_001277115.2:c.9581_9582del; c.9602_9603delTC, p.Leu3201Glnfs (NM_003777.3); short protein forms L3194fs.
Identifiers: ClinVar variation 2724647 (VCV002724647.4), dbSNP rs756621896, ClinGen allele CA4182031.
Genomic context (GRCh38, chr7:21,784,522, plus strand): 5'-GAGAGAATGTGAAGCTGACTTACTCAAGGCTGAGCCTGCACTGGTGGCTGCTACAGCTGC[ACT>A]CAATACACTCAACAGGGTAAAGATAATTTATTGGTCCCTGAGTTTCCTCAAAGTAATATT-3'